The following is an entry in ClinVar:

ClinVar aggregate classification (germline): Uncertain significance. Review status: criteria provided, multiple submitters, no conflicts (2 of 4 stars). 2 submissions from 2 submitters: Uncertain significance (2). Last evaluated 2020-01-03.

Allele frequency attached by ClinVar (database versions not stated): gnomAD exomes below 0.00001; TOPMed below 0.00001; gnomAD 0.00001.
gnomAD v4.1: 5 of 1,613,778 alleles (0.00031%); highest among the groups gnomAD compares: Non-Finnish European, 0.00034%; no homozygotes.

Submissions (2):

Labcorp Genetics (formerly Invitae), Labcorp
Classification: Uncertain significance. Last evaluated: 2020-01-03. Review status: criteria provided, single submitter. Criteria: Invitae Variant Classification Sherloc (09022015). Collection method: clinical testing. Allele origin: germline.
Comment: Algorithms developed to predict the effect of missense changes on protein structure and function (SIFT, PolyPhen-2, Align-GVGD) all suggest that this variant is likely to be disruptive, but these predictions have not been confirmed by published functional studies and their clinical significance is uncertain. This variant has not been reported in the literature in individuals with CIB2-related conditions. This variant is not present in population databases (ExAC no frequency). This sequence change replaces arginine with glutamine at codon 33 of the CIB2 protein (p.Arg33Gln). The arginine residue is highly conserved and there is a small physicochemical difference between arginine and glutamine. In summary, the available evidence is currently insufficient to determine the role of this variant in disease. Therefore, it has been classified as a Variant of Uncertain Significance.

CeGaT Center for Human Genetics Tuebingen
Classification: Uncertain significance. Last evaluated: 2019-01-01. Review status: criteria provided, single submitter. Criteria: CeGaT Center For Human Genetics Tuebingen Variant Classification Criteria Version 2. Collection method: clinical testing. Allele origin: germline. Affected: yes. Observed: 1 variant allele.

NM_006383.4(CIB2):c.98G>A (p.Arg33Gln)

Gene: CIB2 (calcium and integrin binding family member 2; minus strand). Cytogenetic location: 15q25.1.
Variant type: single nucleotide variant.
Coding change: c.98G>A on transcript NM_006383.4 (MANE Select); coding-DNA position 98, G replaced by A.
Protein change: p.Arg33Gln; replaces arginine 33 with glutamine.
Molecular consequence: missense variant. On other transcripts: 5 prime UTR variant (1), intron variant (2).
Genome position (GRCh38, 1-based): chr15:78,111,265, C>T on the plus strand (G>A on the coding strand, the complement: CIB2 is on the minus strand). VCF-style: chr15-78111265-C-T. GRCh37 (hg19) VCF-style: chr15-78403607-C-T.
Other names: c.-32G>A (NM_001271888.2); c.52-1883G>A (NM_001271889.2); c.87-1756G>A (NM_001301224.2); short protein forms R33Q.
Identifiers: ClinVar variation 807296 (VCV000807296.50), dbSNP rs1596350882, ClinGen allele CA393548234.